The following is an entry in ClinVar:

ClinVar aggregate classification (germline): Uncertain significance. Review status: criteria provided, multiple submitters, no conflicts (2 of 4 stars). 3 submissions from 3 submitters: Uncertain significance (3). Last evaluated 2025-06-17.

Conditions:
Cardiovascular phenotype. Identifiers: MedGen CN230736.
Brugada syndrome. Also called: Sudden unexpected nocturnal death syndrome; Sudden unexplained nocturnal death syndrome; Sudden Unexplained Death Syndrome; Sudden Unexplained Nocturnal Death Syndrome (SUNDS). Identifiers: Orphanet 130, MedGen C1142166, MONDO:0015263.

Allele frequency attached by ClinVar (database versions not stated): gnomAD exomes below 0.00001; TOPMed 0.00002.
gnomAD v4.1: 1 of 1,613,720 alleles (0.000062%); highest among the groups gnomAD compares: Non-Finnish European, 0.000085%; no homozygotes.

Submissions (3):

GeneDx
Classification: Uncertain significance. Last evaluated: 2025-06-17. Review status: criteria provided, single submitter. Criteria: GeneDx Variant Classification Process June 2021. Collection method: clinical testing. Allele origin: germline.
Comment: Not observed at significant frequency in large population cohorts (gnomAD); In silico analysis supports that this missense variant has a deleterious effect on protein structure/function; Has not been previously published as pathogenic or benign to our knowledge

Labcorp Genetics (formerly Invitae), Labcorp
Classification: Uncertain significance for Brugada syndrome. Last evaluated: 2025-01-27. Review status: criteria provided, single submitter. Criteria: Invitae Variant Classification Sherloc (09022015). Collection method: clinical testing. Allele origin: germline.
Comment: This sequence change replaces threonine, which is neutral and polar, with serine, which is neutral and polar, at codon 705 of the SCN10A protein (p.Thr705Ser). This variant is not present in population databases (gnomAD no frequency). This variant has not been reported in the literature in individuals affected with SCN10A-related conditions. ClinVar contains an entry for this variant (Variation ID: 1786152). Invitae Evidence Modeling of protein sequence and biophysical properties (such as structural, functional, and spatial information, amino acid conservation, physicochemical variation, residue mobility, and thermodynamic stability) indicates that this missense variant is not expected to disrupt SCN10A protein function with a negative predictive value of 80%. In summary, the available evidence is currently insufficient to determine the role of this variant in disease. Therefore, it has been classified as a Variant of Uncertain Significance.

Ambry Genetics
Classification: Uncertain significance for Cardiovascular phenotype. Last evaluated: 2023-08-24. Review status: criteria provided, single submitter. Criteria: Ambry Variant Classification Scheme 2023. Collection method: clinical testing. Allele origin: germline.
Comment: The p.T705S variant (also known as c.2114C>G), located in coding exon 14 of the SCN10A gene, results from a C to G substitution at nucleotide position 2114. The threonine at codon 705 is replaced by serine, an amino acid with similar properties. This amino acid position is highly conserved in available vertebrate species. In addition, this alteration is predicted to be deleterious by in silico analysis. The evidence for this gene-disease relationship is limited; therefore, the clinical significance of this alteration is unclear.

NM_006514.4(SCN10A):c.2114C>G (p.Thr705Ser)

Gene: SCN10A (sodium voltage-gated channel alpha subunit 10; minus strand). Cytogenetic location: 3p22.2.
Variant type: single nucleotide variant.
Coding change: c.2114C>G on transcript NM_006514.4 (MANE Select); coding-DNA position 2114, C replaced by G.
Protein change: p.Thr705Ser; replaces threonine 705 with serine.
Molecular consequence: missense variant.
Genome position (GRCh38, 1-based): chr3:38,739,681, G>C on the plus strand (C>G on the coding strand, the complement: SCN10A is on the minus strand). VCF-style: chr3-38739681-G-C. GRCh37 (hg19) VCF-style: chr3-38781172-G-C.
Other names: c.2114C>G, p.Thr705Ser (NM_001293306.2); c.1820C>G, p.Thr607Ser (NM_001293307.2); short protein forms T607S, T705S.
Identifiers: ClinVar variation 1786152 (VCV001786152.6), dbSNP rs1559435378, ClinGen allele CA352164675.
Genomic context (GRCh38, chr3:38,739,681, plus strand): 5'-AAATAATAGTATGGGTCGAAGGCAATGATTTTGAAGACCATTTCAGCAGTAAAAAATATG[G>C]TAAAGACCTAGGAGTGGAAACAAGCTTTCATCACAGTGGGATCTGTGGGGTCGGAGGCAA-3'
Protein context (NP_006505.4, residues 695-715): AMLQIGNIVF[Thr705Ser]IFFTAEMVFK